The following is an entry in ClinVar:

ClinVar aggregate classification (germline): Uncertain significance (1 of 4 stars; one submission).

Conditions:
Tietz syndrome (TADS). Also called: TIETZ ALBINISM-DEAFNESS SYNDROME; ALBINISM-DEAFNESS OF TIETZ; HYPOPIGMENTATION/DEAFNESS OF TIETZ. Identifiers: Orphanet 42665, MedGen C0391816, MONDO:0007077, OMIM 103500.
Waardenburg syndrome type 2A (WS2A). Also called: WAARDENBURG SYNDROME WITHOUT DYSTOPIA CANTHORUM. Identifiers: Orphanet 3440, MedGen C1860339, MONDO:0008671, OMIM 193510.
Melanoma, cutaneous malignant, susceptibility to, 8. Also called: MELANOMA AND RENAL CELL CARCINOMA, SUSCEPTIBILITY TO; Cutaneous malignant melanoma 8. Identifiers: Orphanet 293822, MedGen C3152204, MONDO:0013759, OMIM 614456.

Submission:

Labcorp Genetics (formerly Invitae), Labcorp
Classification: Uncertain significance for Melanoma, cutaneous malignant, susceptibility to, 8; Waardenburg syndrome type 2A; Tietz syndrome. Last evaluated: 2022-02-22. Review status: criteria provided, single submitter. Criteria: Invitae Variant Classification Sherloc (09022015). Collection method: clinical testing. Allele origin: germline.
Comment: This sequence change replaces threonine, which is neutral and polar, with isoleucine, which is neutral and non-polar, at codon 245 of the MITF protein (p.Thr245Ile). This variant is not present in population databases (gnomAD no frequency). This variant has not been reported in the literature in individuals affected with MITF-related conditions. Algorithms developed to predict the effect of missense changes on protein structure and function (SIFT, PolyPhen-2, Align-GVGD) all suggest that this variant is likely to be disruptive. In summary, the available evidence is currently insufficient to determine the role of this variant in disease. Therefore, it has been classified as a Variant of Uncertain Significance.

NM_001354604.2(MITF):c.1055C>T (p.Thr352Ile)

Gene: MITF (melanocyte inducing transcription factor; plus strand). Cytogenetic location: 3p13.
Variant type: single nucleotide variant.
Coding change: c.1055C>T on transcript NM_001354604.2 (MANE Select); coding-DNA position 1055, C replaced by T.
Protein change: p.Thr352Ile; replaces threonine 352 with isoleucine.
Molecular consequence: missense variant.
Genome position (GRCh38, 1-based): chr3:69,959,296, C>T. VCF-style: chr3-69959296-C-T. GRCh37 (hg19) VCF-style: chr3-70008447-C-T.
Other names: c.734C>T, p.Thr245Ile (NM_000248.4); c.881C>T, p.Thr294Ile (NM_001184967.2, NM_001354608.2); c.1052C>T, p.Thr351Ile (NM_001354605.2); c.1034C>T, p.Thr345Ile (NM_001354606.2, NM_006722.3); c.986C>T, p.Thr329Ile (NM_001354607.2); c.716C>T, p.Thr239Ile (NM_198158.3); c.1037C>T, p.Thr346Ile (NM_198159.3); c.989C>T, p.Thr330Ile (NM_198177.3); and 1 more; short protein forms T183I, T329I, T330I, T294I, T245I, T351I, T352I, T239I.
Identifiers: ClinVar variation 2101701 (VCV002101701.4), dbSNP rs2107536969, ClinGen allele CA353561927.
Genomic context (GRCh38, chr3:69,959,296, plus strand): 5'-TCCTAAAAATATCTGTTTTCCTCCATTTTCATCGCAGAGACATGCGCTGGAACAAGGGAA[C>T]CATCTTAAAAGCATCCGTGGACTATATCCGAAAGTTGCAACGAGAACAGCAACGCGCAAA-3'
Protein context (NP_001341533.1, residues 342-362): NDPDMRWNKG[Thr352Ile]ILKASVDYIR